The following is an entry in ClinVar:

ClinVar aggregate classification (germline): Uncertain significance (1 of 4 stars; one submission).

Allele frequency attached by ClinVar (database versions not stated): ExAC 0.00003; gnomAD 0.00008.
gnomAD v4.1: 19 of 1,612,960 alleles (0.0012%); highest among the groups gnomAD compares: African/African-American, 0.024%; no homozygotes.

Submission:

Labcorp Genetics (formerly Invitae), Labcorp
Classification: Uncertain significance. Last evaluated: 2022-04-18. Review status: criteria provided, single submitter. Criteria: Invitae Variant Classification Sherloc (09022015). Collection method: clinical testing. Allele origin: germline.
Comment: This sequence change replaces aspartic acid, which is acidic and polar, with alanine, which is neutral and non-polar, at codon 712 of the TTC37 protein (p.Asp712Ala). This variant is present in population databases (rs759827135, gnomAD 0.02%). This variant has not been reported in the literature in individuals affected with TTC37-related conditions. Algorithms developed to predict the effect of missense changes on protein structure and function are either unavailable or do not agree on the potential impact of this missense change (SIFT: "Tolerated"; PolyPhen-2: "Possibly Damaging"; Align-GVGD: "Class C0"). In summary, the available evidence is currently insufficient to determine the role of this variant in disease. Therefore, it has been classified as a Variant of Uncertain Significance.

NM_014639.4(SKIC3):c.2135A>C (p.Asp712Ala)

Gene: SKIC3 (SKI3 subunit of superkiller complex; minus strand). Cytogenetic location: 5q15.
Variant type: single nucleotide variant.
Coding change: c.2135A>C on transcript NM_014639.4 (MANE Select); coding-DNA position 2135, A replaced by C.
Protein change: p.Asp712Ala; replaces aspartic acid 712 with alanine.
Molecular consequence: missense variant.
Genome position (GRCh38, 1-based): chr5:95,517,302, T>G on the plus strand (A>C on the coding strand, the complement: SKIC3 is on the minus strand). VCF-style: chr5-95517302-T-G. GRCh37 (hg19) VCF-style: chr5-94853006-T-G.
Other names: short protein forms D712A.
Identifiers: ClinVar variation 1987642 (VCV001987642.1), dbSNP rs759827135, ClinGen allele CA3347144.
Genomic context (GRCh38, chr5:95,517,302, plus strand): 5'-GGTGCGACAGCATACAGACAGGTACAAGCATCCCCAGCTAGCTTCCAGAGGCAGGACACA[T>G]CAGCTCGATGCTGTAGAGCACTAAAAAAAGAAACATTGTGATTCTTACAAATTATTTATA-3'
Protein context (NP_055454.1, residues 702-722): YFTCALQHRA[Asp712Ala]VSCLWKLAGD